The following is an entry in ClinVar:

ClinVar aggregate classification (germline): Likely benign. Review status: criteria provided, multiple submitters, no conflicts (2 of 4 stars). 3 submissions from 3 submitters: Likely benign (2). 1 of the submissions does not count toward it. Last evaluated 2025-12-30.

Conditions:
AKAP9-related disorder. Also called: AKAP9-related condition.
Cardiovascular phenotype. Identifiers: MedGen CN230736.
Long QT syndrome (LQTS). Identifiers: MedGen C0023976, MeSH D008133, MONDO:0002442. Disease mechanism: loss of function. Inheritance: Various modes of inheritance.

Allele frequency attached by ClinVar (database versions not stated): gnomAD 0.00009 and 0.00011; TOPMed 0.00015; 1000 Genomes Project 30x 0.00016; 1000 Genomes Project 0.00020; gnomAD exomes 0.00021 and 0.00044; ExAC 0.00031.
gnomAD v4.1: 145 of 1,611,348 alleles (0.009%); highest among the groups gnomAD compares: Admixed American, 0.23%; 1 homozygote.

Submissions (3):

Labcorp Genetics (formerly Invitae), Labcorp
Classification: Likely benign for Long QT syndrome. Last evaluated: 2025-12-30. Review status: criteria provided, single submitter. Criteria: Invitae Variant Classification Sherloc (09022015). Collection method: clinical testing. Allele origin: germline.

Ambry Genetics
Classification: Likely benign for Cardiovascular phenotype. Last evaluated: 2016-09-02. Review status: criteria provided, single submitter. Criteria: Ambry Variant Classification Scheme 2023. Collection method: clinical testing. Allele origin: germline.

PreventionGenetics, part of Exact Sciences
Classification: Likely benign for AKAP9-related condition. Last evaluated: 2020-10-12. Review status: no assertion criteria provided. Collection method: clinical testing. Allele origin: germline. Not counted in ClinVar's aggregate classification.
Comment: This variant is classified as likely benign based on ACMG/AMP sequence variant interpretation guidelines (Richards et al. 2015 PMID: 25741868, with internal and published modifications).

NM_005751.5(AKAP9):c.4259T>G (p.Phe1420Cys)

Gene: AKAP9 (A-kinase anchoring protein 9; plus strand). Cytogenetic location: 7q21.2.
Variant type: single nucleotide variant.
Coding change: c.4259T>G on transcript NM_005751.5 (MANE Select); coding-DNA position 4259, T replaced by G.
Protein change: p.Phe1420Cys; replaces phenylalanine 1420 with cysteine.
Molecular consequence: missense variant.
Genome position (GRCh38, 1-based): chr7:92,031,525, T>G. VCF-style: chr7-92031525-T-G. GRCh37 (hg19) VCF-style: chr7-91660839-T-G.
Other names: c.4259T>G, p.Phe1420Cys (NM_147185.3); short protein forms F1420C.
Identifiers: ClinVar variation 519272 (VCV000519272.17), dbSNP rs184184931, ClinGen allele CA4336530.